The following is an entry in ClinVar:

NM_014363.6(SACS):c.1894C>T (p.Arg632Trp)

Gene: SACS (sacsin molecular chaperone; minus strand). Cytogenetic location: 13q12.12.
Variant type: single nucleotide variant.
Coding change: c.1894C>T on transcript NM_014363.6 (MANE Select); coding-DNA position 1894, C replaced by T.
Protein change: p.Arg632Trp; replaces arginine 632 with tryptophan.
Molecular consequence: missense variant.
Genome position (GRCh38, 1-based): chr13:23,354,718, G>A on the plus strand (C>T on the coding strand, the complement: SACS is on the minus strand). VCF-style: chr13-23354718-G-A. GRCh37 (hg19) VCF-style: chr13-23928857-G-A.
Other names: c.1453C>T, p.Arg485Trp (NM_001278055.2); short protein forms R485W, R632W.
Identifiers: ClinVar variation 2678528 (VCV002678528.5), dbSNP rs768855225, ClinGen allele CA6911830.
Genomic context (GRCh38, chr13:23,354,718, plus strand): 5'-CTAGAAGGTGAAGCTTTTCTTCAGCACAGCCCAGGTGTGCACACTTCCGCAGCACCTGCC[G>A]CACCCACGCGGGCGTCACCTTCCTCACAGGTGTTGTGCCAGAGGCAGCTGTGAGCTGAAC-3'
Protein context (NP_055178.3, residues 622-642): PVRKVTPAWV[Arg632Trp]QVLRKCAHLG

ClinVar aggregate classification (germline): Conflicting classifications of pathogenicity. Review status: criteria provided, conflicting classifications (1 of 4 stars). 3 submissions from 3 submitters: Likely pathogenic (1); Uncertain significance (1); Likely benign (1). Last evaluated 2024-09-12.

Conditions:
Charlevoix-Saguenay spastic ataxia (SACS). Also called: Spastic ataxia of Charlevoix-Saguenay; AUTOSOMAL RECESSIVE SPASTIC ATAXIA OF CHARLEVOIX-SAGUENAY; SPASTIC ATAXIA 6, AUTOSOMAL RECESSIVE. Identifiers: Orphanet 98, MedGen C1849140, MONDO:0010041, OMIM 270550.
Spastic paraplegia. Identifiers: MedGen C0037772, HP:0001258.

Allele frequency attached by ClinVar (database versions not stated): ExAC 0.00001; gnomAD 0.00001; gnomAD exomes 0.00001.
gnomAD v4.1: 11 of 1,613,422 alleles (0.00068%); highest among the groups gnomAD compares: East Asian, 0.0022%; no homozygotes.

Submissions (3):

Women's Health and Genetics/Laboratory Corporation of America, LabCorp
Classification: Uncertain significance. Last evaluated: 2024-09-12. Review status: criteria provided, single submitter. Criteria: LabCorp Variant Classification Summary - May 2015. Collection method: clinical testing. Allele origin: germline.
Comment: Variant summary: SACS c.1894C>T (p.Arg632Trp) results in a non-conservative amino acid change in the encoded protein sequence. Three of four in-silico tools predict a damaging effect of the variant on protein function. The variant allele was found at a frequency of 8e-06 in 250800 control chromosomes. c.1894C>T has been reported in the literature in individuals affected with Autosomal Recessive Spastic Ataxia Of Charlevoix-Saguenay (examples: Gazulle_2011 and Longo_2021). These data indicate that the variant may be associated with disease. To our knowledge, no experimental evidence demonstrating an impact on protein function has been reported. The following publications have been ascertained in the context of this evaluation (PMID: 21665375, 34649874). ClinVar contains an entry for this variant (Variation ID: 2678528). Based on the evidence outlined above, the variant was classified as VUS-possibly pathogenic.

Labcorp Genetics (formerly Invitae), Labcorp
Classification: Likely benign for Spastic paraplegia. Last evaluated: 2024-01-04. Review status: criteria provided, single submitter. Criteria: Invitae Variant Classification Sherloc (09022015). Collection method: clinical testing. Allele origin: germline.

Baylor Genetics
Classification: Likely pathogenic for Charlevoix-Saguenay spastic ataxia. Last evaluated: 2023-06-23. Review status: criteria provided, single submitter. Criteria: ACMG Guidelines, 2015. Collection method: clinical testing. Allele origin: unknown.

Literature cited by the submitters: PubMed 21665375 (cited by Women's Health and Genetics/Laboratory Corporation of America, LabCorp); PubMed 34649874 (cited by Women's Health and Genetics/Laboratory Corporation of America, LabCorp).